The following is an entry in ClinVar:

NM_001844.5(COL2A1):c.3274-18C>T

Gene: COL2A1 (collagen type II alpha 1 chain; minus strand). Cytogenetic location: 12q13.11.
Variant type: single nucleotide variant.
Coding change: c.3274-18C>T on transcript NM_001844.5 (MANE Select); 18 bases into the intron before coding-DNA position 3274, C replaced by T.
Molecular consequence: intron variant.
Genome position (GRCh38, 1-based): chr12:47,977,173, G>A on the plus strand (C>T on the coding strand, the complement: COL2A1 is on the minus strand). VCF-style: chr12-47977173-G-A. GRCh37 (hg19) VCF-style: chr12-48370956-G-A.
Other names: c.3067-18C>T (NM_033150.3).
Identifiers: ClinVar variation 509435 (VCV000509435.10), dbSNP rs370482993, ClinGen allele CA6534803.

ClinVar aggregate classification (germline): Likely benign. Review status: criteria provided, multiple submitters, no conflicts (2 of 4 stars). 3 submissions from 3 submitters: Likely benign (3). Last evaluated 2025-12-23.

Allele frequency attached by ClinVar (database versions not stated): gnomAD exomes 0.00008 and 0.00009; ExAC 0.00015; gnomAD 0.00025 and 0.00026; ESP Exome Variant Server 0.00031; TOPMed 0.00031; 1000 Genomes Project 0.00080; 1000 Genomes Project 30x 0.00094.
gnomAD v4.1: 154 of 1,610,984 alleles (0.0096%); highest among the groups gnomAD compares: African/African-American, 0.063%; no homozygotes.

Submissions (3):

Labcorp Genetics (formerly Invitae), Labcorp
Classification: Likely benign. Last evaluated: 2025-12-23. Review status: criteria provided, single submitter. Criteria: Invitae Variant Classification Sherloc (09022015). Collection method: clinical testing. Allele origin: germline.

Blueprint Genetics
Classification: Likely benign. Last evaluated: 2024-09-23. Review status: criteria provided, single submitter. Criteria: ACMG Guidelines, 2015. Collection method: clinical testing. Allele origin: germline.

GeneDx
Classification: Likely benign. Last evaluated: 2018-01-14. Review status: criteria provided, single submitter. Criteria: GeneDx Variant Classification (06012015). Collection method: clinical testing. Allele origin: germline. Affected: yes.
Comment: This variant is considered likely benign or benign based on one or more of the following criteria: it is a conservative change, it occurs at a poorly conserved position in the protein, it is predicted to be benign by multiple in silico algorithms, and/or has population frequency not consistent with disease.